The following is an entry in ClinVar:

NM_020975.6(RET):c.556C>T (p.His186Tyr)

Gene: RET (ret proto-oncogene; plus strand). Cytogenetic location: 10q11.21.
Variant type: single nucleotide variant.
Coding change: c.556C>T on transcript NM_020975.6 (MANE Select); coding-DNA position 556, C replaced by T.
Protein change: p.His186Tyr; replaces histidine 186 with tyrosine.
Molecular consequence: missense variant.
Genome position (GRCh38, 1-based): chr10:43,102,560, C>T. VCF-style: chr10-43102560-C-T. GRCh37 (hg19) VCF-style: chr10-43598008-C-T.
Other names: c.556C>T, p.His186Tyr (NM_000323.2, NM_001406743.1, NM_001406744.1 and 16 more transcripts); c.427C>T, p.His143Tyr (NM_001406761.1, NM_001406762.1, NM_001406764.1 and 4 more transcripts); short protein forms H186Y, H143Y.
Identifiers: ClinVar variation 1748354 (VCV001748354.2), dbSNP rs2132683557, ClinGen allele CA376543477.

ClinVar aggregate classification (germline): Uncertain significance (1 of 4 stars; one submission).

Conditions:
Hereditary cancer-predisposing syndrome. Also called: Hereditary Cancer Syndrome; Hereditary neoplastic syndrome; Neoplastic Syndromes, Hereditary; Tumor predisposition. Identifiers: Orphanet 140162, MedGen C0027672, MeSH D009386, MONDO:0015356.

Submission:

Ambry Genetics
Classification: Uncertain significance for Hereditary cancer-predisposing syndrome. Last evaluated: 2021-08-09. Review status: criteria provided, single submitter. Criteria: Ambry Variant Classification Scheme 2023. Collection method: clinical testing. Allele origin: germline.
Comment: The p.H186Y variant (also known as c.556C>T), located in coding exon 3 of the RET gene, results from a C to T substitution at nucleotide position 556. The histidine at codon 186 is replaced by tyrosine, an amino acid with similar properties. This amino acid position is not well conserved in available vertebrate species. In addition, this alteration is predicted to be tolerated by in silico analysis. Since supporting evidence is limited at this time, the clinical significance of this alteration remains unclear.